The following is an entry in ClinVar:

ClinVar aggregate classification (germline): Uncertain significance (1 of 4 stars; one submission).

Conditions:
ANKRD11-related disorder. Also called: ANKRD11-related condition.

Submission:

PreventionGenetics, part of Exact Sciences
Classification: Uncertain significance for ANKRD11-related condition. Last evaluated: 2026-07-08. Review status: criteria provided, single submitter. Criteria: ACMG Guidelines, 2015. Collection method: clinical testing. Allele origin: germline.
Comment: The ANKRD11 c.6279G>C variant is predicted to result in the amino acid substitution p.Glu2093Asp. To our knowledge, this variant has not been reported in the literature or in a large population database (gnomAD), indicating this variant is rare. At this time, the clinical significance of this variant is uncertain due to the absence of conclusive functional and genetic evidence.

NM_013275.6(ANKRD11):c.6279G>C (p.Glu2093Asp)

Gene: ANKRD11 (ankyrin repeat domain 11; minus strand). Cytogenetic location: 16q24.3.
Variant type: single nucleotide variant.
Coding change: c.6279G>C on transcript NM_013275.6 (MANE Select); coding-DNA position 6279, G replaced by C.
Protein change: p.Glu2093Asp; replaces glutamic acid 2093 with aspartic acid.
Molecular consequence: missense variant.
Genome position (GRCh38, 1-based): chr16:89,280,263, C>G on the plus strand (G>C on the coding strand, the complement: ANKRD11 is on the minus strand). VCF-style: chr16-89280263-C-G. GRCh37 (hg19) VCF-style: chr16-89346671-C-G.
Other names: c.6279G>C, p.Glu2093Asp (NM_001256182.2, NM_001256183.2); short protein forms E2093D.
Identifiers: ClinVar variation 2628687 (VCV002628687.2), dbSNP rs2544223116, ClinGen allele CA397151464.